The following is an entry in ClinVar:

ClinVar aggregate classification (germline): Uncertain significance. Review status: criteria provided, multiple submitters, no conflicts (2 of 4 stars). 2 submissions from 2 submitters: Uncertain significance (2). Last evaluated 2026-01-20.

Conditions:
Hereditary cancer-predisposing syndrome. Also called: Tumor predisposition; Hereditary neoplastic syndrome; Hereditary Cancer Syndrome; Neoplastic Syndromes, Hereditary. Identifiers: Orphanet 140162, MedGen C0027672, MeSH D009386, MONDO:0015356.
Gastrointestinal stromal tumor. Also called: Gastrointestinal stroma tumor; Gastrointestinal stromal tumor, somatic. Identifiers: Orphanet 44890, MedGen C0238198, MeSH D046152, MONDO:0011719, OMIM 606764, HP:0100723.

Allele frequency attached by ClinVar (database versions not stated): gnomAD exomes 0.00001; ExAC 0.00002; gnomAD 0.00003 and 0.00004; TOPMed 0.00003.
gnomAD v4.1: 14 of 1,608,578 alleles (0.00087%); highest among the groups gnomAD compares: African/African-American, 0.008%; no homozygotes.

Submissions (2):

Labcorp Genetics (formerly Invitae), Labcorp
Classification: Uncertain significance for Gastrointestinal stromal tumor. Last evaluated: 2026-01-20. Review status: criteria provided, single submitter. Criteria: Invitae Variant Classification Sherloc (09022015). Collection method: clinical testing. Allele origin: germline.
Comment: This sequence change replaces arginine, which is basic and polar, with glutamine, which is neutral and polar, at codon 830 of the KIT protein (p.Arg830Gln). This variant is present in population databases (rs772311731, gnomAD 0.02%). This variant has not been reported in the literature in individuals affected with KIT-related conditions. ClinVar contains an entry for this variant (Variation ID: 528546). An algorithm developed to predict the effect of missense changes on protein structure and function (PolyPhen-2) suggests that this variant is likely to be disruptive. In summary, the available evidence is currently insufficient to determine the role of this variant in disease. Therefore, it has been classified as a Variant of Uncertain Significance.

Ambry Genetics
Classification: Uncertain significance for Hereditary cancer-predisposing syndrome. Last evaluated: 2025-01-03. Review status: criteria provided, single submitter. Criteria: Ambry Variant Classification Scheme 2023. Collection method: clinical testing. Allele origin: germline.
Comment: The p.R830Q variant (also known as c.2489G>A), located in coding exon 18 of the KIT gene, results from a G to A substitution at nucleotide position 2489. The arginine at codon 830 is replaced by glutamine, an amino acid with highly similar properties. This amino acid position is conserved. In addition, this alteration is predicted to be deleterious by in silico analysis. Since supporting evidence is limited at this time, the clinical significance of this alteration remains unclear.

NM_000222.3(KIT):c.2489G>A (p.Arg830Gln)

Gene: KIT (KIT proto-oncogene, receptor tyrosine kinase; plus strand). Cytogenetic location: 4q12.
Variant type: single nucleotide variant.
Coding change: c.2489G>A on transcript NM_000222.3 (MANE Select); coding-DNA position 2489, G replaced by A.
Protein change: p.Arg830Gln; replaces arginine 830 with glutamine.
Molecular consequence: missense variant.
Genome position (GRCh38, 1-based): chr4:54,736,502, G>A. VCF-style: chr4-54736502-G-A. GRCh37 (hg19) VCF-style: chr4-55602668-G-A.
Other names: c.2477G>A, p.Arg826Gln (NM_001093772.2, NM_001385292.1); c.2492G>A, p.Arg831Gln (NM_001385284.1); c.2486G>A, p.Arg829Gln (NM_001385285.1); c.2474G>A, p.Arg825Gln (NM_001385286.1); c.2480G>A, p.Arg827Gln (NM_001385288.1); c.2489G>A, p.Arg830Gln (NM_001385290.1); short protein forms R830Q, R826Q, R825Q, R827Q, R829Q, R831Q.
Identifiers: ClinVar variation 528546 (VCV000528546.14), dbSNP rs772311731, ClinGen allele CA2923784.